The following is an entry in ClinVar:

NM_005045.4(RELN):c.3379G>A (p.Val1127Met)

Gene: RELN (reelin; minus strand). Cytogenetic location: 7q22.1.
Variant type: single nucleotide variant.
Coding change: c.3379G>A on transcript NM_005045.4 (MANE Select); coding-DNA position 3379, G replaced by A.
Protein change: p.Val1127Met; replaces valine 1127 with methionine.
Molecular consequence: missense variant.
Genome position (GRCh38, 1-based): chr7:103,596,616, C>T on the plus strand (G>A on the coding strand, the complement: RELN is on the minus strand). VCF-style: chr7-103596616-C-T. GRCh37 (hg19) VCF-style: chr7-103237063-C-T.
Other names: c.3379G>A, p.Val1127Met (NM_173054.3); short protein forms V1127M.
Identifiers: ClinVar variation 1490891 (VCV001490891.6), dbSNP rs1160249328, ClinGen allele CA368761144.

ClinVar aggregate classification (germline): Uncertain significance (1 of 4 stars; one submission).

Conditions:
Norman-Roberts syndrome (LIS2). Also called: Lissencephaly 2 (Norman-Roberts type). Identifiers: Orphanet 89844, MedGen C0796089, MONDO:0009760, OMIM 257320.
Familial temporal lobe epilepsy 7. Identifiers: Orphanet 101046, MedGen C4225327, MONDO:0014639, OMIM 616436.

Allele frequency attached by ClinVar (database versions not stated): gnomAD exomes below 0.00001.
gnomAD v4.1: 1 of 1,614,074 alleles (0.000062%); highest among the groups gnomAD compares: Admixed American, 0.0017%; no homozygotes.

Submission:

Labcorp Genetics (formerly Invitae), Labcorp
Classification: Uncertain significance for Familial temporal lobe epilepsy 7; Norman-Roberts syndrome. Last evaluated: 2025-02-24. Review status: criteria provided, single submitter. Criteria: Invitae Variant Classification Sherloc (09022015). Collection method: clinical testing. Allele origin: germline.
Comment: This sequence change replaces valine, which is neutral and non-polar, with methionine, which is neutral and non-polar, at codon 1127 of the RELN protein (p.Val1127Met). This variant is present in population databases (no rsID available, gnomAD 0.003%). This variant has not been reported in the literature in individuals affected with RELN-related conditions. ClinVar contains an entry for this variant (Variation ID: 1490891). Invitae Evidence Modeling of protein sequence and biophysical properties (such as structural, functional, and spatial information, amino acid conservation, physicochemical variation, residue mobility, and thermodynamic stability) indicates that this missense variant is not expected to disrupt RELN protein function with a negative predictive value of 80%. In summary, the available evidence is currently insufficient to determine the role of this variant in disease. Therefore, it has been classified as a Variant of Uncertain Significance.